The following is an entry in ClinVar:

ClinVar aggregate classification (germline): Uncertain significance. Review status: criteria provided, multiple submitters, no conflicts (2 of 4 stars). 2 submissions from 2 submitters: Uncertain significance (2). Last evaluated 2025-11-11.

Conditions:
Inborn genetic diseases. Identifiers: MedGen C0950123, MeSH D030342.

Allele frequency attached by ClinVar (database versions not stated): TOPMed below 0.00001.
gnomAD v4.1: 1 of 1,610,624 alleles (0.000062%); highest among the groups gnomAD compares: Non-Finnish European, 0.000085%; no homozygotes.

Submissions (2):

Ambry Genetics
Classification: Uncertain significance for Inborn genetic diseases. Last evaluated: 2025-11-11. Review status: criteria provided, single submitter. Criteria: Ambry Variant Classification Scheme 2023. Collection method: clinical testing. Allele origin: germline.
Comment: The p.S1263P variant (also known as c.3787T>C), located in coding exon 1 of the SAMD9 gene, results from a T to C substitution at nucleotide position 3787. The serine at codon 1263 is replaced by proline, an amino acid with similar properties. This amino acid position is conserved. In addition, this alteration is predicted to be tolerated by in silico analysis. Based on the available evidence, the clinical significance of this variant remains unclear.

Labcorp Genetics (formerly Invitae), Labcorp
Classification: Uncertain significance. Last evaluated: 2023-10-22. Review status: criteria provided, single submitter. Criteria: Invitae Variant Classification Sherloc (09022015). Collection method: clinical testing. Allele origin: germline.
Comment: This sequence change replaces serine, which is neutral and polar, with proline, which is neutral and non-polar, at codon 1263 of the SAMD9 protein (p.Ser1263Pro). This variant is present in population databases (rs776273788, gnomAD 0.007%). This variant has not been reported in the literature in individuals affected with SAMD9-related conditions. Advanced modeling of protein sequence and biophysical properties (such as structural, functional, and spatial information, amino acid conservation, physicochemical variation, residue mobility, and thermodynamic stability) performed at Invitae indicates that this missense variant is not expected to disrupt SAMD9 protein function. In summary, the available evidence is currently insufficient to determine the role of this variant in disease. Therefore, it has been classified as a Variant of Uncertain Significance.

NM_017654.4(SAMD9):c.3787T>C (p.Ser1263Pro)

Gene: SAMD9 (sterile alpha motif domain containing 9; minus strand). Cytogenetic location: 7q21.2.
Variant type: single nucleotide variant.
Coding change: c.3787T>C on transcript NM_017654.4 (MANE Select); coding-DNA position 3787, T replaced by C.
Protein change: p.Ser1263Pro; replaces serine 1263 with proline.
Molecular consequence: missense variant.
Genome position (GRCh38, 1-based): chr7:93,102,311, A>G on the plus strand (T>C on the coding strand, the complement: SAMD9 is on the minus strand). VCF-style: chr7-93102311-A-G. GRCh37 (hg19) VCF-style: chr7-92731624-A-G.
Other names: c.3787T>C, p.Ser1263Pro (NM_001193307.2); c.3787T>C (NM_017654.3); short protein forms S1263P.
Identifiers: ClinVar variation 2968451 (VCV002968451.4), dbSNP rs776273788, ClinGen allele CA161989979.